The following is an entry in ClinVar:

NM_000038.6(APC):c.5577T>C (p.Asn1859=)

Gene: APC (APC regulator of Wnt signaling pathway; plus strand). Cytogenetic location: 5q22.2.
Variant type: single nucleotide variant.
Coding change: c.5577T>C on transcript NM_000038.6 (MANE Select); coding-DNA position 5577, T replaced by C.
Protein change: p.Asn1859=; no amino-acid change (asparagine 1859 retained).
Molecular consequence: synonymous variant.
Genome position (GRCh38, 1-based): chr5:112,841,171, T>C. VCF-style: chr5-112841171-T-C. GRCh37 (hg19) VCF-style: chr5-112176868-T-C.
Other names: c.5577T>C, p.Asn1859= (NM_001127510.3, NM_001354895.2); c.5523T>C, p.Asn1841= (NM_001127511.3); c.5631T>C, p.Asn1877= (NM_001354896.2); c.5607T>C, p.Asn1869= (NM_001354897.2); c.5502T>C, p.Asn1834= (NM_001354898.2); c.5493T>C, p.Asn1831= (NM_001354899.2); c.5454T>C, p.Asn1818= (NM_001354900.2); c.5400T>C, p.Asn1800= (NM_001354901.2); and 5 more.
Identifiers: ClinVar variation 630870 (VCV000630870.12), dbSNP rs1561601173, ClinGen allele CA446208946.
Genomic context (GRCh38, chr5:112,841,171, plus strand): 5'-TTTTGATTCACCTCATCATTACACGCCTATTGAAGGAACTCCTTACTGTTTTTCACGAAA[T>C]GATTCTTTGAGTTCTCTAGATTTTGATGATGATGATGTTGACCTTTCCAGGGAAAAGGCT-3'
Protein context (NP_000029.2, residues 1849-1869): IEGTPYCFSR[Asn1859=]DSLSSLDFDD

ClinVar aggregate classification (germline): Benign/Likely benign. Review status: criteria provided, multiple submitters, no conflicts (2 of 4 stars). 4 submissions from 4 submitters: Benign (1); Likely benign (3). Last evaluated 2025-01-10.

Conditions:
Hereditary cancer-predisposing syndrome. Also called: Tumor predisposition; Neoplastic Syndromes, Hereditary; Hereditary neoplastic syndrome; Hereditary Cancer Syndrome. Identifiers: Orphanet 140162, MedGen C0027672, MeSH D009386, MONDO:0015356.
Familial adenomatous polyposis 1 (FAP1). Also called: POLYPOSIS, ADENOMATOUS INTESTINAL; FAMILIAL ADENOMATOUS POLYPOSIS 1, ATTENUATED. Identifiers: MedGen C2713442, MONDO:0021056, OMIM 175100. Disease mechanism: loss of function.

Allele frequency attached by ClinVar (database versions not stated): gnomAD exomes below 0.00001.
gnomAD v4.1: 1 of 1,613,984 alleles (0.000062%); highest among the groups gnomAD compares: Middle Eastern, 0.017%; no homozygotes.

Submissions (4):

Ambry Genetics
Classification: Likely benign for Hereditary cancer-predisposing syndrome. Last evaluated: 2025-01-10. Review status: criteria provided, single submitter. Criteria: Ambry Variant Classification Scheme 2023. Collection method: clinical testing. Allele origin: germline.

Myriad Genetics, Inc.
Classification: Benign for Familial adenomatous polyposis 1. Last evaluated: 2024-04-02. Review status: criteria provided, single submitter. Criteria: Myriad Autosomal Dominant, Autosomal Recessive and X-Linked Classification Criteria (2023). Collection method: clinical testing. Allele origin: unknown.
Comment: This variant is considered benign. This variant is a silent/synonymous amino acid change and it is not expected to impact splicing.

Labcorp Genetics (formerly Invitae), Labcorp
Classification: Likely benign for Familial adenomatous polyposis 1. Last evaluated: 2022-08-23. Review status: criteria provided, single submitter. Criteria: Invitae Variant Classification Sherloc (09022015). Collection method: clinical testing. Allele origin: germline.

Color Diagnostics, LLC DBA Color Health
Classification: Likely benign for Hereditary cancer-predisposing syndrome. Last evaluated: 2017-11-23. Review status: criteria provided, single submitter. Criteria: ACMG Guidelines, 2015. Collection method: clinical testing. Allele origin: germline.